The following is an entry in ClinVar:

ClinVar aggregate classification (germline): Uncertain significance (1 of 4 stars; one submission).

gnomAD v4.1: 1 of 1,614,198 alleles (0.000062%); highest among the groups gnomAD compares: Admixed American, 0.0017%; no homozygotes.

Submission:

Labcorp Genetics (formerly Invitae), Labcorp
Classification: Uncertain significance. Last evaluated: 2024-04-25. Review status: criteria provided, single submitter. Criteria: Invitae Variant Classification Sherloc (09022015). Collection method: clinical testing. Allele origin: germline.
Comment: This sequence change replaces glutamic acid, which is acidic and polar, with lysine, which is basic and polar, at codon 381 of the CARD8 protein (p.Glu381Lys). This variant is present in population databases (no rsID available, gnomAD 0.003%). This variant has not been reported in the literature in individuals affected with CARD8-related conditions. An algorithm developed to predict the effect of missense changes on protein structure and function (PolyPhen-2) suggests that this variant is likely to be tolerated. In summary, the available evidence is currently insufficient to determine the role of this variant in disease. Therefore, it has been classified as a Variant of Uncertain Significance.

NM_001184900.3(CARD8):c.1291G>A (p.Glu431Lys)

Gene: CARD8 (caspase recruitment domain family member 8; minus strand). Cytogenetic location: 19q13.33.
Variant type: single nucleotide variant.
Coding change: c.1291G>A on transcript NM_001184900.3 (MANE Select); coding-DNA position 1291, G replaced by A.
Protein change: p.Glu431Lys; replaces glutamic acid 431 with lysine.
Molecular consequence: missense variant. On other transcripts: non-coding transcript variant (2), intron variant (7).
Genome position (GRCh38, 1-based): chr19:48,218,883, C>T on the plus strand (G>A on the coding strand, the complement: CARD8 is on the minus strand). VCF-style: chr19-48218883-C-T. GRCh37 (hg19) VCF-style: chr19-48722140-C-T.
Other names: c.1141G>A, p.Glu381Lys (NM_001184901.1, NM_001351783.2, NM_014959.5); c.1291G>A, p.Glu431Lys (NM_001351782.2); c.976G>A, p.Glu326Lys (NM_001351784.2, NM_001351787.2); c.955G>A, p.Glu319Lys (NM_001351786.2); c.973G>A, p.Glu325Lys (NM_001365950.1); c.846+2847G>A (NM_001351791.2, NM_001351792.2); c.1011+2847G>A (NM_001351788.2, NM_001351789.2); c.918+2847G>A (NM_001351790.2); and 1 more; short protein forms E319K, E325K, E326K, E381K, E431K.
Identifiers: ClinVar variation 3613377 (VCV003613377.2).